The following is an entry in ClinVar:

ClinVar aggregate classification (germline): Pathogenic/Likely pathogenic. Review status: criteria provided, multiple submitters, no conflicts (2 of 4 stars). 3 submissions from 3 submitters: Pathogenic (2); Likely pathogenic (1). Last evaluated 2024-07-23.

Conditions:
Multiple acyl-CoA dehydrogenase deficiency (MADD). Also called: Glutaric aciduria, type 2; ETHYLMALONIC-ADIPICACIDURIA; GA II; Glutaric Acidemia type 2; Glutaric acidemia type II; GA 2. Identifiers: Orphanet 26791, MedGen C0268596, MONDO:0009282, OMIM 231680.

Submissions (3):

Labcorp Genetics (formerly Invitae), Labcorp
Classification: Pathogenic for Multiple acyl-CoA dehydrogenase deficiency. Last evaluated: 2024-07-23. Review status: criteria provided, single submitter. Criteria: Invitae Variant Classification Sherloc (09022015). Collection method: clinical testing. Allele origin: germline.
Comment: This sequence change replaces arginine, which is basic and polar, with serine, which is neutral and polar, at codon 358 of the ETFDH protein (p.Arg358Ser). This variant is not present in population databases (gnomAD no frequency). This missense change has been observed in individuals with multiple Acyl-CoA dehydrogenase deficiency (PMID: 12815589, 28685490, 31904027). ClinVar contains an entry for this variant (Variation ID: 1705585). Advanced modeling of protein sequence and biophysical properties (such as structural, functional, and spatial information, amino acid conservation, physicochemical variation, residue mobility, and thermodynamic stability) performed at Invitae indicates that this missense variant is expected to disrupt ETFDH protein function with a positive predictive value of 80%. This variant disrupts the p.Arg358 amino acid residue in ETFDH. Other variant(s) that disrupt this residue have been observed in individuals with ETFDH-related conditions (PMID: 12815589, 28685490; Invitae), which suggests that this may be a clinically significant amino acid residue. For these reasons, this variant has been classified as Pathogenic.

Women's Health and Genetics/Laboratory Corporation of America, LabCorp
Classification: Pathogenic for Multiple acyl-CoA dehydrogenase deficiency. Last evaluated: 2023-08-04. Review status: criteria provided, single submitter. Criteria: LabCorp Variant Classification Summary - May 2015. Collection method: clinical testing. Allele origin: germline.
Comment: Variant summary: ETFDH c.1074G>C (p.Arg358Ser) results in a non-conservative amino acid change in the encoded protein sequence. Four of five in-silico tools predict a damaging effect of the variant on protein function. The variant was absent in 251406 control chromosomes (gnomAD). c.1074G>C has been reported in the literature in multiple bi-allelic individuals affected with multiple acyl-CoA dehydrogenation deficiency (examples: Olsen_2003, Creanza_2018 and van rajt_2020). These data indicate that the variant is very likely to be associated with disease. A different variant affecting the same codon is classified pathogenic in ClinVar (c.1073G>A, p.Arg358Lys -CV ID 203720). The following publications have been ascertained in the context of this evaluation (PMID: 28685490, 15662686, and 31904027). One submitter has cited clinical-significance assessments for this variant to ClinVar after 2014 and has classified the variant as likely pathogenic. Based on the evidence outlined above, the variant was classified as pathogenic.

3billion
Classification: Likely pathogenic for Multiple acyl-CoA dehydrogenase deficiency. Last evaluated: 2022-09-01. Review status: criteria provided, single submitter. Criteria: ACMG Guidelines, 2015. Collection method: clinical testing. Allele origin: germline. Affected: yes. Observed: 1 heterozygote.
Comment: The variant is not observed in the gnomAD v2.1.1 dataset. Functional studies provide moderate evidence of the variant having a damaging effect on the gene or gene product (PMID: 12815589). In silico tool predictions suggest damaging effect of the variant on gene or gene product (REVEL: 0.89; 3Cnet: 0.96). Same nucleotide change resulting in same amino acid change (PMID: 12815589 ) and a different missense change at the same codon (p.Arg358Lys / ClinVar ID: VCV000203720 / PMID: 28685490 ) have been previously reported to be associated with ETFDH-related disorder. Therefore, this variant is classified as Likely pathogenic according to the recommendation of ACMG/AMP guideline.

Literature cited by the submitters: PubMed 12815589 (cited by Labcorp Genetics (formerly Invitae), Labcorp and 3billion); PubMed 28685490 (cited by 3 submitters); PubMed 31904027 (cited by Labcorp Genetics (formerly Invitae), Labcorp and Women's Health and Genetics/Laboratory Corporation of America, LabCorp); PubMed 15662686 (cited by Women's Health and Genetics/Laboratory Corporation of America, LabCorp).

NM_004453.4(ETFDH):c.1074G>C (p.Arg358Ser)

Gene: ETFDH (electron transfer flavoprotein dehydrogenase; plus strand). Cytogenetic location: 4q32.1.
Variant type: single nucleotide variant.
Coding change: c.1074G>C on transcript NM_004453.4 (MANE Select); coding-DNA position 1074, G replaced by C.
Protein change: p.Arg358Ser; replaces arginine 358 with serine.
Molecular consequence: missense variant.
Genome position (GRCh38, 1-based): chr4:158,699,088, G>C. VCF-style: chr4-158699088-G-C. GRCh37 (hg19) VCF-style: chr4-159620240-G-C.
Other names: c.1074G>C (NM_004453.3); c.933G>C, p.Arg311Ser (NM_001281737.2); c.891G>C, p.Arg297Ser (NM_001281738.1); short protein forms R297S, R311S, R358S.
Identifiers: ClinVar variation 1705585 (VCV001705585.5), dbSNP rs2479121069, ClinGen allele CA358562293.